The following is an entry in ClinVar:

ClinVar aggregate classification (germline): Pathogenic (1 of 4 stars; one submission).

Submission:

Labcorp Genetics (formerly Invitae), Labcorp
Classification: Pathogenic. Last evaluated: 2024-02-23. Review status: criteria provided, single submitter. Criteria: Invitae Variant Classification Sherloc (09022015). Collection method: clinical testing. Allele origin: germline.
Comment: This sequence change affects a donor splice site in intron 8 of the ABCA4 gene. It is expected to disrupt RNA splicing. Variants that disrupt the donor or acceptor splice site typically lead to a loss of protein function (PMID: 16199547), and loss-of-function variants in ABCA4 are known to be pathogenic (PMID: 10958761, 24938718, 25312043, 26780318). This variant is not present in population databases (gnomAD no frequency). Disruption of this splice site has been observed in individual(s) with Stargardt disease (PMID: 29847635). ClinVar contains an entry for this variant (Variation ID: 2151889). Algorithms developed to predict the effect of sequence changes on RNA splicing suggest that this variant may disrupt the consensus splice site. For these reasons, this variant has been classified as Pathogenic.

Literature cited by the submitters: PubMed 16199547; PubMed 10958761; PubMed 24938718; PubMed 25312043; PubMed 26780318; PubMed 29847635.

NM_000350.3(ABCA4):c.1099+1G>C

Gene: ABCA4 (ATP binding cassette subfamily A member 4; minus strand). Cytogenetic location: 1p22.1.
Variant type: single nucleotide variant.
Coding change: c.1099+1G>C on transcript NM_000350.3 (MANE Select); the canonical splice donor site of the intron after coding-DNA position 1099, G replaced by C.
Molecular consequence: splice donor variant.
Genome position (GRCh38, 1-based): chr1:94,080,477, C>G on the plus strand (G>C on the coding strand, the complement: ABCA4 is on the minus strand). VCF-style: chr1-94080477-C-G. GRCh37 (hg19) VCF-style: chr1-94546033-C-G.
Identifiers: ClinVar variation 2151889 (VCV002151889.4), dbSNP rs2523902047, ClinGen allele CA341283706.
Genomic context (GRCh38, chr1:94,080,477, plus strand): 5'-TTAAACCATCAACTTAACCAACATGAGAGGCCAATTTATAAGCAGGACTCAGAAAACTTA[C>G]TTGTTCTTCTGTCATAAGAATAGATAGGATCCTTCCTTGTGGAGTCAATCCCCAGAAAGG-3'